The following is an entry in ClinVar:

ClinVar aggregate classification (germline): Uncertain significance (1 of 4 stars; one submission).

Allele frequency attached by ClinVar (database versions not stated): gnomAD exomes below 0.00001.
gnomAD v4.1: 3 of 1,558,436 alleles (0.00019%); highest among the groups gnomAD compares: Non-Finnish European, 0.00026%; no homozygotes.

Submission:

Labcorp Genetics (formerly Invitae), Labcorp
Classification: Uncertain significance. Last evaluated: 2023-05-22. Review status: criteria provided, single submitter. Criteria: Invitae Variant Classification Sherloc (09022015). Collection method: clinical testing. Allele origin: germline.
Comment: Advanced modeling of protein sequence and biophysical properties (such as structural, functional, and spatial information, amino acid conservation, physicochemical variation, residue mobility, and thermodynamic stability) performed at Invitae indicates that this missense variant is not expected to disrupt ITPR1 protein function. This variant has not been reported in the literature in individuals affected with ITPR1-related conditions. This variant is not present in population databases (gnomAD no frequency). This sequence change replaces glutamic acid, which is acidic and polar, with aspartic acid, which is acidic and polar, at codon 814 of the ITPR1 protein (p.Glu814Asp). In summary, the available evidence is currently insufficient to determine the role of this variant in disease. Therefore, it has been classified as a Variant of Uncertain Significance.

NM_001378452.1(ITPR1):c.2487A>T (p.Glu829Asp)

Gene: ITPR1 (inositol 1,4,5-trisphosphate receptor type 1; plus strand). Cytogenetic location: 3p26.1.
Variant type: single nucleotide variant.
Coding change: c.2487A>T on transcript NM_001378452.1 (MANE Select); coding-DNA position 2487, A replaced by T.
Protein change: p.Glu829Asp; replaces glutamic acid 829 with aspartic acid.
Molecular consequence: missense variant.
Genome position (GRCh38, 1-based): chr3:4,674,232, A>T. VCF-style: chr3-4674232-A-T. GRCh37 (hg19) VCF-style: chr3-4715916-A-T.
Other names: c.2487A>T, p.Glu829Asp (NM_001099952.4); c.2442A>T, p.Glu814Asp (NM_001168272.2, NM_002222.7); short protein forms E829D, E814D.
Identifiers: ClinVar variation 3014668 (VCV003014668.3), dbSNP rs2094142646, ClinGen allele CA351647887.